The following is an entry in ClinVar:

ClinVar aggregate classification (germline): Uncertain significance (1 of 4 stars; one submission).

Conditions:
Very long chain acyl-CoA dehydrogenase deficiency (ACADVLD). Also called: Very Long-Chain Acyl-Coenzyme A Dehydrogenase Deficiency; VLCAD Deficiency. Identifiers: Orphanet 26793, MedGen C3887523, MONDO:0008723, OMIM 201475.

Submission:

Labcorp Genetics (formerly Invitae), Labcorp
Classification: Uncertain significance for Very long chain acyl-CoA dehydrogenase deficiency. Last evaluated: 2022-02-20. Review status: criteria provided, single submitter. Criteria: Invitae Variant Classification Sherloc (09022015). Collection method: clinical testing. Allele origin: germline.
Comment: This sequence change replaces valine, which is neutral and non-polar, with isoleucine, which is neutral and non-polar, at codon 392 of the ACADVL protein (p.Val392Ile). This variant is present in population databases (no rsID available, gnomAD 0.003%). This variant has not been reported in the literature in individuals affected with ACADVL-related conditions. Algorithms developed to predict the effect of missense changes on protein structure and function (SIFT, PolyPhen-2, Align-GVGD) all suggest that this variant is likely to be tolerated. Algorithms developed to predict the effect of sequence changes on RNA splicing suggest that this variant may disrupt the consensus splice site. In summary, the available evidence is currently insufficient to determine the role of this variant in disease. Therefore, it has been classified as a Variant of Uncertain Significance.

NM_000018.4(ACADVL):c.1174G>A (p.Val392Ile)

Gene: ACADVL (acyl-CoA dehydrogenase very long chain; plus strand). Cytogenetic location: 17p13.1.
Variant type: single nucleotide variant.
Coding change: c.1174G>A on transcript NM_000018.4 (MANE Select); coding-DNA position 1174, G replaced by A.
Protein change: p.Val392Ile; replaces valine 392 with isoleucine.
Molecular consequence: missense variant.
Genome position (GRCh38, 1-based): chr17:7,223,229, G>A. VCF-style: chr17-7223229-G-A. GRCh37 (hg19) VCF-style: chr17-7126548-G-A.
Other names: c.1108G>A, p.Val370Ile (NM_001033859.3); c.1243G>A, p.Val415Ile (NM_001270447.2); c.946G>A, p.Val316Ile (NM_001270448.2); short protein forms V392I, V370I, V316I, V415I.
Identifiers: ClinVar variation 2165192 (VCV002165192.1), dbSNP rs746806439, ClinGen allele CA397724512.